The following is an entry in ClinVar:

ClinVar aggregate classification (germline): Uncertain significance (1 of 4 stars; one submission).

Conditions:
Primary ciliary dyskinesia. Also called: Ciliary dyskinesia. Identifiers: Orphanet 244, MedGen C0008780, MONDO:0016575, HP:0012265.

Allele frequency attached by ClinVar (database versions not stated): gnomAD exomes below 0.00001; gnomAD 0.00001.
gnomAD v4.1: 3 of 1,613,800 alleles (0.00019%); highest among the groups gnomAD compares: Non-Finnish European, 0.00025%; no homozygotes.

Submission:

Ambry Genetics
Classification: Uncertain significance for Primary ciliary dyskinesia. Last evaluated: 2022-05-30. Review status: criteria provided, single submitter. Criteria: Ambry Variant Classification Scheme 2023. Collection method: clinical testing. Allele origin: germline.
Comment: The p.E317A variant (also known as c.950A>C), located in coding exon 8 of the CCDC114 gene, results from an A to C substitution at nucleotide position 950. The glutamic acid at codon 317 is replaced by alanine, an amino acid with dissimilar properties. This amino acid position is conserved. In addition, this alteration is predicted to be tolerated by in silico analysis. Since supporting evidence is limited at this time, the clinical significance of this alteration remains unclear.

NM_001364171.2(ODAD1):c.1061A>C (p.Glu354Ala)

Gene: ODAD1 (outer dynein arm docking complex subunit 1; minus strand). Cytogenetic location: 19q13.33.
Variant type: single nucleotide variant.
Coding change: c.1061A>C on transcript NM_001364171.2 (MANE Select); coding-DNA position 1061, A replaced by C.
Protein change: p.Glu354Ala; replaces glutamic acid 354 with alanine.
Molecular consequence: missense variant.
Genome position (GRCh38, 1-based): chr19:48,303,023, T>G on the plus strand (A>C on the coding strand, the complement: ODAD1 is on the minus strand). VCF-style: chr19-48303023-T-G. GRCh37 (hg19) VCF-style: chr19-48806280-T-G.
Other names: c.950A>C, p.Glu317Ala (NM_144577.4); short protein forms E317A, E354A.
Identifiers: ClinVar variation 1800036 (VCV001800036.2), dbSNP rs1968511225, ClinGen allele CA406659836.